The following is an entry in ClinVar:

NM_144991.3(TSPEAR):c.1934C>T (p.Thr645Ile)

Gene: TSPEAR (thrombospondin type laminin G domain and EAR repeats; minus strand). Cytogenetic location: 21q22.3.
Variant type: single nucleotide variant.
Coding change: c.1934C>T on transcript NM_144991.3 (MANE Select); coding-DNA position 1934, C replaced by T.
Protein change: p.Thr645Ile; replaces threonine 645 with isoleucine.
Molecular consequence: missense variant.
Genome position (GRCh38, 1-based): chr21:44,499,859, G>A on the plus strand (C>T on the coding strand, the complement: TSPEAR is on the minus strand). VCF-style: chr21-44499859-G-A. GRCh37 (hg19) VCF-style: chr21-45919742-G-A.
Other names: c.1730C>T, p.Thr577Ile (NM_001272037.2); short protein forms T577I, T645I.
Identifiers: ClinVar variation 2430815 (VCV002430815.1), dbSNP rs587744445, ClinGen allele CA10056252.

ClinVar aggregate classification (germline): Uncertain significance (1 of 4 stars; one submission).

Allele frequency attached by ClinVar (database versions not stated): gnomAD 0.00001; ExAC 0.00004; 1000 Genomes Project 30x 0.00031; 1000 Genomes Project 0.00040.
gnomAD v4.1: 5 of 1,603,602 alleles (0.00031%); highest among the groups gnomAD compares: East Asian, 0.011%; no homozygotes.

Submission:

GeneDx
Classification: Uncertain significance. Last evaluated: 2022-08-19. Review status: criteria provided, single submitter. Criteria: GeneDx Variant Classification Process June 2021. Collection method: clinical testing. Allele origin: germline. Affected: yes.
Comment: In silico analysis supports that this missense variant does not alter protein structure/function; Has not been previously published as pathogenic or benign to our knowledge